The following is an entry in ClinVar:

NM_001291303.3(FAT4):c.9627C>T (p.Ala3209=)

Gene: FAT4 (FAT atypical cadherin 4; plus strand). Cytogenetic location: 4q28.1.
Variant type: single nucleotide variant.
Coding change: c.9627C>T on transcript NM_001291303.3 (MANE Select); coding-DNA position 9627, C replaced by T.
Protein change: p.Ala3209=; no amino-acid change (alanine 3209 retained).
Molecular consequence: synonymous variant.
Genome position (GRCh38, 1-based): chr4:125,450,637, C>T. VCF-style: chr4-125450637-C-T. GRCh37 (hg19) VCF-style: chr4-126371792-C-T.
Other names: c.9627C>T, p.Ala3209= (NM_001291285.3); c.9621C>T, p.Ala3207= (NM_024582.6).
Identifiers: ClinVar variation 740131 (VCV000740131.29), dbSNP rs148558216, ClinGen allele CA3073557.

ClinVar aggregate classification (germline): Benign/Likely benign. Review status: criteria provided, multiple submitters, no conflicts (2 of 4 stars). 4 submissions from 4 submitters: Benign (2); Likely benign (2). Last evaluated 2026-01-18.

Allele frequency attached by ClinVar (database versions not stated): gnomAD 0.00017 and 0.00029; gnomAD exomes 0.00030 and 0.00060; TOPMed 0.00034; ExAC 0.00059; 1000 Genomes Project 30x 0.00156; 1000 Genomes Project 0.00180.

Submissions (4):

Labcorp Genetics (formerly Invitae), Labcorp
Classification: Benign. Last evaluated: 2026-01-18. Review status: criteria provided, single submitter. Criteria: Invitae Variant Classification Sherloc (09022015). Collection method: clinical testing. Allele origin: germline.

Blueprint Genetics
Classification: Likely benign. Last evaluated: 2024-11-18. Review status: criteria provided, single submitter. Criteria: ACMG Guidelines, 2015. Collection method: clinical testing. Allele origin: germline.

CeGaT Center for Human Genetics Tuebingen
Classification: Likely benign. Last evaluated: 2024-06-01. Review status: criteria provided, single submitter. Criteria: CeGaT Center For Human Genetics Tuebingen Variant Classification Criteria Version 2. Collection method: clinical testing. Allele origin: germline. Affected: yes. Observed: 1 variant allele.
Comment: FAT4: BP4, BP7

Breakthrough Genomics
Classification: Benign. Review status: criteria provided, single submitter. Criteria: ACMG Guidelines, 2015. Collection method: not provided. Allele origin: germline. Inheritance: Autosomal recessive inheritance. Affected: yes.